The following is an entry in ClinVar:

ClinVar aggregate classification (germline): Uncertain significance (1 of 4 stars; one submission).

Conditions:
Microcephaly-intellectual disability-sensorineural hearing loss-epilepsy-abnormal muscle tone syndrome (NEDHSB). Also called: NEURODEVELOPMENTAL DISORDER WITH HEARING LOSS, SEIZURES, AND BRAIN ABNORMALITIES. Identifiers: Orphanet 457351, MedGen C4225276, MONDO:0014698, OMIM 616577.

Allele frequency attached by ClinVar (database versions not stated): TOPMed below 0.00001.

Submission:

Labcorp Genetics (formerly Invitae), Labcorp
Classification: Uncertain significance for Microcephaly-intellectual disability-sensorineural hearing loss-epilepsy-abnormal muscle tone syndrome. Last evaluated: 2024-12-02. Review status: criteria provided, single submitter. Criteria: Invitae Variant Classification Sherloc (09022015). Collection method: clinical testing. Allele origin: germline.
Comment: This sequence change replaces aspartic acid, which is acidic and polar, with asparagine, which is neutral and polar, at codon 57 of the SPATA5 protein (p.Asp57Asn). This variant is not present in population databases (gnomAD no frequency). This variant has not been reported in the literature in individuals affected with SPATA5-related conditions. ClinVar contains an entry for this variant (Variation ID: 2075021). Invitae Evidence Modeling of protein sequence and biophysical properties (such as structural, functional, and spatial information, amino acid conservation, physicochemical variation, residue mobility, and thermodynamic stability) has been performed for this missense variant. However, the output from this modeling did not meet the statistical confidence thresholds required to predict the impact of this variant on SPATA5 protein function. Algorithms developed to predict the effect of sequence changes on RNA splicing suggest that this variant may create or strengthen a splice site. In summary, the available evidence is currently insufficient to determine the role of this variant in disease. Therefore, it has been classified as a Variant of Uncertain Significance.

NM_145207.3(AFG2A):c.169G>A (p.Asp57Asn)

Gene: AFG2A (AAA ATPase AFG2A; plus strand). Cytogenetic location: 4q28.1.
Variant type: single nucleotide variant.
Coding change: c.169G>A on transcript NM_145207.3 (MANE Select); coding-DNA position 169, G replaced by A.
Protein change: p.Asp57Asn; replaces aspartic acid 57 with asparagine.
Molecular consequence: missense variant.
Genome position (GRCh38, 1-based): chr4:122,927,639, G>A. VCF-style: chr4-122927639-G-A. GRCh37 (hg19) VCF-style: chr4-123848794-G-A.
Other names: c.166G>A, p.Asp56Asn (NM_001317799.2, NM_001345856.2); short protein forms D56N, D57N.
Identifiers: ClinVar variation 2075021 (VCV002075021.3), dbSNP rs1476062739, ClinGen allele CA358098907.